The following is an entry in ClinVar:

NM_006282.5(STK4):c.36-46C>G

Gene: STK4 (serine/threonine kinase 4; plus strand). Cytogenetic location: 20q13.12.
Variant type: single nucleotide variant.
Coding change: c.36-46C>G on transcript NM_006282.5 (MANE Select); 46 bases into the intron before coding-DNA position 36, C replaced by G.
Molecular consequence: intron variant.
Genome position (GRCh38, 1-based): chr20:44,972,032, C>G. VCF-style: chr20-44972032-C-G. GRCh37 (hg19) VCF-style: chr20-43600673-C-G.
Other names: c.36-46C>G (NM_001352385.2).
Identifiers: ClinVar variation 1334913 (VCV001334913.5), dbSNP rs6130717, ClinGen allele CA9873697.

ClinVar aggregate classification (germline): Benign. Review status: criteria provided, multiple submitters, no conflicts (2 of 4 stars). 3 submissions from 3 submitters: Benign (3). Last evaluated 2023-11-12.

Conditions:
Combined immunodeficiency due to STK4 deficiency (IMD110). Also called: STK4 DEFICIENCY; MST1 DEFICIENCY; T-cell immunodeficiency, recurrent infections, and autoimmunity with or without cardiac malformations. Identifiers: Orphanet 314689, MedGen C3553943, MONDO:0013934, OMIM 614868.

Allele frequency attached by ClinVar (database versions not stated): 1000 Genomes Project 0.44549; ExAC 0.45076; 1000 Genomes Project 30x 0.45581; TOPMed 0.49017; gnomAD 0.50360 and 0.51315; ESP Exome Variant Server 0.53210.
gnomAD v4.1: 727,496 of 1,547,962 alleles (47%); highest among the groups gnomAD compares: African/African-American, 61%; 175,804 homozygotes.

Submissions (3):

Unidad de Genómica Garrahan, Hospital de Pediatría Garrahan
Classification: Benign. Last evaluated: 2023-11-12. Review status: criteria provided, single submitter. Criteria: ACMG Guidelines, 2015. Collection method: clinical testing. Allele origin: germline. Affected: no. Observed: 54 variant alleles.
Comment: This variant is classified as Benign based on local population frequency. This variant was detected in 56% of patients studied by a panel of primary immunodeficiencies. Number of patients: 54. Only high quality variants are reported.

Genome-Nilou Lab
Classification: Benign for Combined immunodeficiency due to STK4 deficiency. Last evaluated: 2021-07-15. Review status: criteria provided, single submitter. Criteria: ACMG Guidelines, 2015. Collection method: clinical testing. Allele origin: germline. Affected: no.

Breakthrough Genomics
Classification: Benign. Review status: criteria provided, single submitter. Criteria: ACMG Guidelines, 2015. Collection method: not provided. Allele origin: germline. Inheritance: Unknown mechanism. Affected: yes.